The following is an entry in ClinVar:

NM_000414.4(HSD17B4):c.1625G>A (p.Arg542Lys)

Gene: HSD17B4 (hydroxysteroid 17-beta dehydrogenase 4; plus strand). Cytogenetic location: 5q23.1.
Variant type: single nucleotide variant.
Coding change: c.1625G>A on transcript NM_000414.4 (MANE Select); coding-DNA position 1625, G replaced by A.
Protein change: p.Arg542Lys; replaces arginine 542 with lysine.
Molecular consequence: missense variant.
Genome position (GRCh38, 1-based): chr5:119,525,968, G>A. VCF-style: chr5-119525968-G-A. GRCh37 (hg19) VCF-style: chr5-118861663-G-A.
Other names: c.1700G>A, p.Arg567Lys (NM_001199291.3); c.1571G>A, p.Arg524Lys (NM_001199292.2); c.1553G>A, p.Arg518Lys (NM_001292027.2); c.1205G>A, p.Arg402Lys (NM_001292028.2); short protein forms R542K, R402K, R518K, R524K, R567K.
Identifiers: ClinVar variation 593666 (VCV000593666.22), dbSNP rs546653967, ClinGen allele CA3382341.

ClinVar aggregate classification (germline): Conflicting classifications of pathogenicity. Review status: criteria provided, conflicting classifications (1 of 4 stars). 7 submissions from 7 submitters: Uncertain significance (3); Likely benign (3). 1 of the submissions does not count toward it. Last evaluated 2025-12-13.

Conditions:
HSD17B4-related disorder. Also called: HSD17B4-related disorders; HSD17B4-related condition.
Perrault syndrome. Also called: Gonadal dysgenesis with auditory dysfunction, autosomal recessive inheritance. Identifiers: Orphanet 2855, MedGen C0685838, MONDO:0017312.
Bifunctional peroxisomal enzyme deficiency (DBIF). Also called: PBFE DEFICIENCY; D-bifunctional protein deficiency; DBP DEFICIENCY. Identifiers: Orphanet 300, MedGen C0342870, MONDO:0009855, OMIM 261515. Disease mechanism: loss of function.
Inborn genetic diseases. Identifiers: MedGen C0950123, MeSH D030342.
Perrault syndrome 1 (PRLTS1). Also called: GONADAL DYSGENESIS, XX TYPE, WITH DEAFNESS; OVARIAN DYSGENESIS WITH SENSORINEURAL DEAFNESS. Identifiers: Orphanet 2855, Orphanet 642945, MedGen C4551721, MONDO:0009300, OMIM 233400.

Allele frequency attached by ClinVar (database versions not stated): gnomAD 0.00001 and 0.00009; TOPMed 0.00005; gnomAD exomes 0.00019 and 0.00039; ExAC 0.00042; 1000 Genomes Project 0.00080; 1000 Genomes Project 30x 0.00109.
gnomAD v4.1: 288 of 1,612,174 alleles (0.018%); highest among the groups gnomAD compares: South Asian, 0.29%; 3 homozygotes.

Submissions (7):

Labcorp Genetics (formerly Invitae), Labcorp
Classification: Likely benign for Perrault syndrome; Bifunctional peroxisomal enzyme deficiency. Last evaluated: 2025-12-13. Review status: criteria provided, single submitter. Criteria: Invitae Variant Classification Sherloc (09022015). Collection method: clinical testing. Allele origin: germline.

Revvity Omics, Revvity
Classification: Uncertain significance. Last evaluated: 2023-11-09. Review status: criteria provided, single submitter. Criteria: ACMG Guidelines, 2015. Collection method: clinical testing. Allele origin: germline.

Ambry Genetics
Classification: Likely benign for Inborn genetic diseases. Last evaluated: 2023-07-25. Review status: criteria provided, single submitter. Criteria: Ambry Variant Classification Scheme 2023. Collection method: clinical testing. Allele origin: germline.

Department of Pathology and Laboratory Medicine, Sinai Health System
Classification: Uncertain significance for Perrault syndrome 1; Bifunctional peroxisomal enzyme deficiency. Last evaluated: 2022-12-12. Review status: criteria provided, single submitter. Criteria: ACMG Guidelines, 2015. Collection method: research. Allele origin: germline.

GeneDx
Classification: Likely benign. Last evaluated: 2018-05-23. Review status: criteria provided, single submitter. Criteria: GeneDx Variant Classification (06012015). Collection method: clinical testing. Allele origin: germline. Affected: yes.
Comment: This variant is considered likely benign or benign based on one or more of the following criteria: it is a conservative change, it occurs at a poorly conserved position in the protein, it is predicted to be benign by multiple in silico algorithms, and/or has population frequency not consistent with disease.

Eurofins Ntd Llc (ga)
Classification: Uncertain significance. Last evaluated: 2017-08-15. Review status: criteria provided, single submitter. Criteria: EGL Classification Definitions 2015. Collection method: clinical testing. Allele origin: germline. Observed: 1 variant allele, 1 heterozygote.

PreventionGenetics, part of Exact Sciences
Classification: Likely benign for HSD17B4-related condition. Last evaluated: 2023-04-11. Review status: no assertion criteria provided. Collection method: clinical testing. Allele origin: germline. Not counted in ClinVar's aggregate classification.
Comment: This variant is classified as likely benign based on ACMG/AMP sequence variant interpretation guidelines (Richards et al. 2015 PMID: 25741868, with internal and published modifications).